The following is an entry in ClinVar:

ClinVar aggregate classification (germline): Uncertain significance (1 of 4 stars; one submission).

Conditions:
Joubert syndrome. Also called: CEREBELLOPARENCHYMAL DISORDER IV; JOUBERT-BOLTSHAUSER SYNDROME; Familial aplasia of the vermis. Identifiers: Orphanet 475, MedGen C5979921, MONDO:0018772.

Allele frequency attached by ClinVar (database versions not stated): gnomAD exomes below 0.00001.

Submission:

Labcorp Genetics (formerly Invitae), Labcorp
Classification: Uncertain significance for Joubert syndrome. Last evaluated: 2022-07-12. Review status: criteria provided, single submitter. Criteria: Invitae Variant Classification Sherloc (09022015). Collection method: clinical testing. Allele origin: germline.
Comment: ClinVar contains an entry for this variant (Variation ID: 1395092). Advanced modeling of protein sequence and biophysical properties (such as structural, functional, and spatial information, amino acid conservation, physicochemical variation, residue mobility, and thermodynamic stability) performed at Invitae indicates that this missense variant is not expected to disrupt INPP5E protein function. In summary, the available evidence is currently insufficient to determine the role of this variant in disease. Therefore, it has been classified as a Variant of Uncertain Significance. This variant has not been reported in the literature in individuals affected with INPP5E-related conditions. This sequence change replaces proline, which is neutral and non-polar, with serine, which is neutral and polar, at codon 577 of the INPP5E protein (p.Pro577Ser). This variant is not present in population databases (gnomAD no frequency).

NM_019892.6(INPP5E):c.1729C>T (p.Pro577Ser)

Gene: INPP5E (inositol polyphosphate-5-phosphatase E; minus strand). Cytogenetic location: 9q34.3.
Variant type: single nucleotide variant.
Coding change: c.1729C>T on transcript NM_019892.6 (MANE Select); coding-DNA position 1729, C replaced by T.
Protein change: p.Pro577Ser; replaces proline 577 with serine.
Molecular consequence: missense variant.
Genome position (GRCh38, 1-based): chr9:136,430,350, G>A on the plus strand (C>T on the coding strand, the complement: INPP5E is on the minus strand). VCF-style: chr9-136430350-G-A. GRCh37 (hg19) VCF-style: chr9-139324802-G-A.
Other names: c.1726C>T, p.Pro576Ser (NM_001318502.2); short protein forms P576S, P577S.
Identifiers: ClinVar variation 1395092 (VCV001395092.6), dbSNP rs1352231723, ClinGen allele CA375561275.